The following is an entry in ClinVar:

ClinVar aggregate classification (germline): Benign/Likely benign. Review status: criteria provided, multiple submitters, no conflicts (2 of 4 stars). 4 submissions from 4 submitters: Benign (2); Likely benign (2). Last evaluated 2026-01-06.

Allele frequency attached by ClinVar (database versions not stated): 1000 Genomes Project 0.00040; 1000 Genomes Project 30x 0.00047; gnomAD 0.00003 and 0.00007; TOPMed 0.00005; gnomAD exomes 0.00014 and 0.00024; ExAC 0.00033.

Submissions (4):

Labcorp Genetics (formerly Invitae), Labcorp
Classification: Benign. Last evaluated: 2026-01-06. Review status: criteria provided, single submitter. Criteria: Invitae Variant Classification Sherloc (09022015). Collection method: clinical testing. Allele origin: germline.

CeGaT Center for Human Genetics Tuebingen
Classification: Likely benign. Last evaluated: 2025-09-01. Review status: criteria provided, single submitter. Criteria: CeGaT Center For Human Genetics Tuebingen Variant Classification Criteria Version 2. Collection method: clinical testing. Allele origin: germline. Affected: yes. Observed: 3 variant alleles.
Comment: SBF1: BP4, BP7

Mayo Clinic Laboratories, Mayo Clinic
Classification: Likely benign. Last evaluated: 2025-06-05. Review status: criteria provided, single submitter. Criteria: ACMG Guidelines, 2015. Collection method: clinical testing. Allele origin: germline. Observed: 2 variant alleles.
Comment: BP4, BP7

Breakthrough Genomics
Classification: Benign. Review status: criteria provided, single submitter. Criteria: ACMG Guidelines, 2015. Collection method: not provided. Allele origin: germline. Inheritance: Autosomal recessive inheritance. Affected: yes.

NM_002972.4(SBF1):c.2256G>A (p.Thr752=)

Gene: SBF1 (SET binding factor 1; minus strand). Cytogenetic location: 22q13.33.
Variant type: single nucleotide variant.
Coding change: c.2256G>A on transcript NM_002972.4 (MANE Select); coding-DNA position 2256, G replaced by A.
Protein change: p.Thr752=; no amino-acid change (threonine 752 retained).
Molecular consequence: synonymous variant.
Genome position (GRCh38, 1-based): chr22:50,462,345, C>T on the plus strand (G>A on the coding strand, the complement: SBF1 is on the minus strand). VCF-style: chr22-50462345-C-T. GRCh37 (hg19) VCF-style: chr22-50900774-C-T.
Other names: p.Thr752=; c.2259G>A, p.Thr753= (NM_001365819.1).
Identifiers: ClinVar variation 1647732 (VCV001647732.35), dbSNP rs377099628, ClinGen allele CA10317292.